The following is an entry in ClinVar:

ClinVar aggregate classification (germline): Pathogenic (1 of 4 stars; one submission).

Conditions:
Primary ciliary dyskinesia 3. Identifiers: Orphanet 244, MedGen C1837618, MONDO:0012085, OMIM 608644.

Submission:

Myriad Genetics, Inc.
Classification: Pathogenic for Primary ciliary dyskinesia 3. Last evaluated: 2023-09-03. Review status: criteria provided, single submitter. Criteria: Myriad Autosomal Dominant, Autosomal Recessive and X-Linked Classification Criteria (2023). Collection method: clinical testing. Allele origin: unknown.
Comment: NM_001369.2(DNAH5):c.11205_11208delGAAG(E3735Dfs*11) is expected to be pathogenic in the context of primary ciliary dyskinesia, DNAH5-related. This variant is predicted to lead to an abnormal or absent protein product due to the creation of a premature termination codon in DNAH5, a gene where loss-of-function variants are known to be pathogenic. Please note: this variant was assessed in the context of healthy population screening.

NM_001369.3(DNAH5):c.11205_11208del (p.Glu3735fs)

Gene: DNAH5 (dynein axonemal heavy chain 5; minus strand). Cytogenetic location: 5p15.2.
Variant type: Deletion.
Coding change: c.11205_11208del on transcript NM_001369.3 (MANE Select); coding-DNA positions 11205 to 11208, 4 bases deleted (GAAG; older notation c.11205_11208delGAAG).
Protein change: p.Glu3735fs; shifts the reading frame from glutamic acid 3735.
Molecular consequence: frameshift variant.
Genome position (GRCh38, 1-based): chr5:13,751,081-13,751,084, CTTC deleted on the plus strand (GAAG on the coding strand, the reverse complement: DNAH5 is on the minus strand). VCF-style (leftmost placement, unchanged base first): chr5-13751080-GCTTC-G. GRCh37 (hg19) VCF-style: chr5-13751189-GCTTC-G.
Other names: short protein forms E3735fs.
Identifiers: ClinVar variation 5011548 (VCV005011548.1).